The following is an entry in ClinVar:

ClinVar aggregate classification (germline): Uncertain significance (1 of 4 stars; one submission).

Submission:

Dasa
Classification: Uncertain significance. Last evaluated: 2025-08-07. Review status: criteria provided, single submitter. Criteria: DASA Assertion Criteria. Collection method: clinical testing. Allele origin: germline.
Comment: NM_003359.4(UGDH):c.1123_1125del (p.Gln375del) is an in-frame deletion predicted to remove glutamine at protein position 375 without shifting the reading frame. This variant is absent from population databases. The currently available literature and clinical evidence are not sufficient to establish a definitive association between this variant and the reported condition. Therefore, this variant is classified as a variant of uncertain significance.

NM_003359.4(UGDH):c.1123_1125del (p.Gln375del)

Gene: UGDH (UDP-glucose 6-dehydrogenase; minus strand). Cytogenetic location: 4p14.
Variant type: Deletion.
Coding change: c.1123_1125del on transcript NM_003359.4 (MANE Select); coding-DNA positions 1123 to 1125, 3 bases deleted (CAA; older notation c.1123_1125delCAA).
Protein change: p.Gln375del; deletes glutamine 375.
Molecular consequence: inframe deletion.
Genome position (GRCh38, 1-based): chr4:39,505,283-39,505,285, TTG deleted on the plus strand (CAA on the coding strand, the reverse complement: UGDH is on the minus strand); deleting any 3 consecutive bases within chr4:39,505,283-39,505,287 gives the same sequence; the c. name uses the placement nearest the transcript's 3' end. VCF-style (leftmost placement, unchanged base first): chr4-39505282-TTTG-T. GRCh37 (hg19) VCF-style: chr4-39506902-TTTG-T.
Other names: c.922_924del, p.Gln308del (NM_001184700.2); c.832_834del, p.Gln278del (NM_001184701.2); short protein forms Q278del, Q308del, Q375del.
Identifiers: ClinVar variation 4883998 (VCV004883998.2).